The following is an entry in ClinVar:

ClinVar aggregate classification (germline): Conflicting classifications of pathogenicity. Review status: criteria provided, conflicting classifications (1 of 4 stars). 7 submissions from 7 submitters: Uncertain significance (1); Likely benign (6). Last evaluated 2026-01-19.

Conditions:
Catecholaminergic polymorphic ventricular tachycardia (CVPT). Also called: Catecholamine-induced polymorphic ventricular tachycardia. Identifiers: Orphanet 3286, MedGen C5574922, MONDO:0017990.
Cardiovascular phenotype. Identifiers: MedGen CN230736.
Cardiomyopathy (CMYO). Also called: Cardiomyopathies. Identifiers: Orphanet 167848, MedGen C0878544, MONDO:0004994, HP:0001638. Inheritance: Various modes of inheritance.
Catecholaminergic polymorphic ventricular tachycardia 1. Also called: VENTRICULAR TACHYCARDIA, CATECHOLAMINERGIC POLYMORPHIC, 1, WITH OR WITHOUT ATRIAL DYSFUNCTION AND/OR DILATED CARDIOMYOPATHY; VENTRICULAR TACHYCARDIA, STRESS-INDUCED POLYMORPHIC 1; RYR2-Related Catecholaminergic Polymorphic Ventricular Tachycardia. Identifiers: Orphanet 3286, MedGen C1631597, MONDO:0011484, OMIM 604772.

Allele frequency attached by ClinVar (database versions not stated): gnomAD 0.00011 and 0.00010; TOPMed 0.00013; 1000 Genomes Project 30x 0.00016; 1000 Genomes Project 0.00020; ExAC 0.00003; gnomAD exomes 0.00003; ESP Exome Variant Server 0.00008.
gnomAD v4.1: 35 of 1,607,270 alleles (0.0022%); highest among the groups gnomAD compares: African/African-American, 0.044%; no homozygotes.

Submissions (7):

Labcorp Genetics (formerly Invitae), Labcorp
Classification: Likely benign for Catecholaminergic polymorphic ventricular tachycardia 1. Last evaluated: 2026-01-19. Review status: criteria provided, single submitter. Criteria: Invitae Variant Classification Sherloc (09022015). Collection method: clinical testing. Allele origin: germline.

Women's Health and Genetics/Laboratory Corporation of America, LabCorp
Classification: Likely benign. Last evaluated: 2025-04-29. Review status: criteria provided, single submitter. Criteria: LabCorp Variant Classification Summary - May 2015. Collection method: clinical testing. Allele origin: germline.

Molecular Diagnostic Laboratory for Inherited Cardiovascular Disease, Montreal Heart Institute
Classification: Likely benign. Last evaluated: 2025-04-09. Review status: criteria provided, single submitter. Criteria: ACMG Guidelines, 2015. Collection method: clinical testing. Allele origin: germline. Affected: no.

Mayo Clinic Laboratories, Mayo Clinic
Classification: Likely benign. Last evaluated: 2025-02-03. Review status: criteria provided, single submitter. Criteria: ACMG Guidelines, 2015. Collection method: clinical testing. Allele origin: germline. Observed: 1 variant allele.
Comment: BP4, BP7

Color Diagnostics, LLC DBA Color Health
Classification: Likely benign for Cardiomyopathy. Last evaluated: 2024-02-07. Review status: criteria provided, single submitter. Criteria: ACMG Guidelines, 2015. Collection method: clinical testing. Allele origin: germline.

All of Us Research Program, National Institutes of Health
Classification: Likely benign for Catecholaminergic polymorphic ventricular tachycardia. Last evaluated: 2023-12-01. Review status: criteria provided, single submitter. Criteria: ACMG Guidelines, 2015. Collection method: clinical testing. Allele origin: germline. Inheritance: Autosomal dominant inheritance. Observed: 7 variant alleles, 7 heterozygotes.
Comment: This variant causes a C to G nucleotide substitution at the -5 position of intron 96 of the RYR2 gene. To our knowledge, functional studies have not been reported for this variant. This variant has not been reported in individuals affected with RYR2-related disorders in the literature. This variant has been identified in 10/271500 chromosomes in the general population by the Genome Aggregation Database (gnomAD). The available evidence is insufficient to determine the role of this variant in disease conclusively. Therefore, this variant is classified as a Variant of Uncertain Significance.

This study involves interpretation of variants in research participants for the purpose of population health screening. Participant phenotype was not available at the time of variant classification. Additional details can be found in publication PMID: 35346344, PMCID: PMC8962531

Ambry Genetics
Classification: Uncertain significance for Cardiovascular phenotype. Last evaluated: 2023-10-04. Review status: criteria provided, single submitter. Criteria: Ambry Variant Classification Scheme 2023. Collection method: clinical testing. Allele origin: germline.
Comment: The c.13957-5C>G intronic variant results from a C to G substitution 5 nucleotides upstream from coding exon 97 in the RYR2 gene. This nucleotide position is not well conserved in available vertebrate species. In silico splice site analysis predicts that this alteration will not have any significant effect on splicing. Since supporting evidence is limited at this time, the clinical significance of this alteration remains unclear.

NM_001035.3(RYR2):c.13957-5C>G

Gene: RYR2 (ryanodine receptor 2; plus strand). Cytogenetic location: 1q43.
Variant type: single nucleotide variant.
Coding change: c.13957-5C>G on transcript NM_001035.3 (MANE Select); 5 bases into the intron before coding-DNA position 13957, C replaced by G.
Molecular consequence: intron variant.
Genome position (GRCh38, 1-based): chr1:237,798,032, C>G. VCF-style: chr1-237798032-C-G. GRCh37 (hg19) VCF-style: chr1-237961332-C-G.
Other names: p.?; c.13957-5C>G (LRG_402t1).
Identifiers: ClinVar variation 296765 (VCV000296765.21), dbSNP rs189772599, ClinGen allele CA085537.